The following is an entry in ClinVar:

NM_006035.4(CDC42BPB):c.4149G>A (p.Arg1383=)

Gene: CDC42BPB (CDC42 binding protein kinase beta; minus strand). Cytogenetic location: 14q32.32.
Variant type: single nucleotide variant.
Coding change: c.4149G>A on transcript NM_006035.4 (MANE Select); coding-DNA position 4149, G replaced by A.
Protein change: p.Arg1383=; no amino-acid change (arginine 1383 retained).
Molecular consequence: synonymous variant.
Genome position (GRCh38, 1-based): chr14:102,944,150, C>T on the plus strand (G>A on the coding strand, the complement: CDC42BPB is on the minus strand). VCF-style: chr14-102944150-C-T. GRCh37 (hg19) VCF-style: chr14-103410487-C-T.
Other names: c.4071G>A, p.Arg1357= (NM_001411054.1).
Identifiers: ClinVar variation 2644587 (VCV002644587.24), dbSNP rs776355137, ClinGen allele CA7360522.

ClinVar aggregate classification (germline): Likely benign (1 of 4 stars; one submission).

Allele frequency attached by ClinVar (database versions not stated): TOPMed 0.00001; ExAC 0.00002; gnomAD 0.00003.
gnomAD v4.1: 44 of 1,613,098 alleles (0.0027%); highest among the groups gnomAD compares: South Asian, 0.03%; no homozygotes.

Submission:

CeGaT Center for Human Genetics Tuebingen
Classification: Likely benign. Last evaluated: 2022-09-01. Review status: criteria provided, single submitter. Criteria: CeGaT Center For Human Genetics Tuebingen Variant Classification Criteria Version 2. Collection method: clinical testing. Allele origin: germline. Affected: yes. Observed: 1 variant allele.
Comment: CDC42BPB: BP4, BP7